The following is an entry in ClinVar:

NM_001845.6(COL4A1):c.674A>G (p.Gln225Arg)

Gene: COL4A1 (collagen type IV alpha 1 chain; minus strand). Cytogenetic location: 13q34.
Variant type: single nucleotide variant.
Coding change: c.674A>G on transcript NM_001845.6 (MANE Select); coding-DNA position 674, A replaced by G.
Protein change: p.Gln225Arg; replaces glutamine 225 with arginine.
Molecular consequence: missense variant.
Genome position (GRCh38, 1-based): chr13:110,208,868, T>C on the plus strand (A>G on the coding strand, the complement: COL4A1 is on the minus strand). VCF-style: chr13-110208868-T-C. GRCh37 (hg19) VCF-style: chr13-110861215-T-C.
Other names: c.674A>G, p.Gln225Arg (NM_001303110.2); short protein forms Q225R.
Identifiers: ClinVar variation 1428881 (VCV001428881.6), dbSNP rs2139200708, ClinGen allele CA388725278.

ClinVar aggregate classification (germline): Uncertain significance (1 of 4 stars; one submission).

Submission:

Labcorp Genetics (formerly Invitae), Labcorp
Classification: Uncertain significance. Last evaluated: 2022-06-04. Review status: criteria provided, single submitter. Criteria: Invitae Variant Classification Sherloc (09022015). Collection method: clinical testing. Allele origin: germline.
Comment: This sequence change replaces glutamine, which is neutral and polar, with arginine, which is basic and polar, at codon 225 of the COL4A1 protein (p.Gln225Arg). This variant is not present in population databases (gnomAD no frequency). This variant has not been reported in the literature in individuals affected with COL4A1-related conditions. ClinVar contains an entry for this variant (Variation ID: 1428881). Advanced modeling of protein sequence and biophysical properties (such as structural, functional, and spatial information, amino acid conservation, physicochemical variation, residue mobility, and thermodynamic stability) performed at Invitae indicates that this missense variant is not expected to disrupt COL4A1 protein function. In summary, the available evidence is currently insufficient to determine the role of this variant in disease. Therefore, it has been classified as a Variant of Uncertain Significance.